The following is an entry in ClinVar:

NM_004656.4(BAP1):c.1730-4C>T

Gene: BAP1 (BRCA1 associated deubiquitinase 1; minus strand). Cytogenetic location: 3p21.1.
Variant type: single nucleotide variant.
Coding change: c.1730-4C>T on transcript NM_004656.4 (MANE Select); 4 bases into the intron before coding-DNA position 1730, C replaced by T.
Molecular consequence: intron variant.
Genome position (GRCh38, 1-based): chr3:52,403,302, G>A on the plus strand (C>T on the coding strand, the complement: BAP1 is on the minus strand). VCF-style: chr3-52403302-G-A. GRCh37 (hg19) VCF-style: chr3-52437318-G-A.
Identifiers: ClinVar variation 1778967 (VCV001778967.5), dbSNP rs2153226525, ClinGen allele CA2580070221.

ClinVar aggregate classification (germline): Likely benign. Review status: criteria provided, multiple submitters, no conflicts (2 of 4 stars). 3 submissions from 3 submitters: Likely benign (3). Last evaluated 2025-03-04.

Conditions:
Hereditary cancer-predisposing syndrome. Also called: Neoplastic Syndromes, Hereditary; Tumor predisposition; Hereditary Cancer Syndrome; Hereditary neoplastic syndrome. Identifiers: Orphanet 140162, MedGen C0027672, MeSH D009386, MONDO:0015356.
BAP1-related tumor predisposition syndrome (TPDS1). Also called: BAP1 tumor predisposition syndrome; Tumor susceptibility linked to germline BAP1 mutations; COMMON Syndrome; TUMOR PREDISPOSITION SYNDROME 1. Identifiers: Orphanet 289539, MedGen C3280492, MONDO:0013692, OMIM 614327.

Submissions (3):

Center for Genomic Medicine, Rigshospitalet, Copenhagen University Hospital
Classification: Likely benign. Last evaluated: 2025-03-04. Review status: criteria provided, single submitter. Criteria: ACMG Guidelines, 2015. Collection method: clinical testing. Allele origin: germline.

Myriad Genetics, Inc.
Classification: Likely benign for BAP1-related tumor predisposition syndrome. Last evaluated: 2024-07-17. Review status: criteria provided, single submitter. Criteria: Myriad Autosomal Dominant, Autosomal Recessive and X-Linked Classification Criteria (2023). Collection method: clinical testing. Allele origin: unknown.
Comment: This variant is considered likely benign. This variant is intronic and is not expected to impact mRNA splicing.

Ambry Genetics
Classification: Likely benign for Hereditary cancer-predisposing syndrome. Last evaluated: 2022-06-03. Review status: criteria provided, single submitter. Criteria: Ambry Variant Classification Scheme 2023. Collection method: clinical testing. Allele origin: germline.